The following is an entry in ClinVar:

NM_206933.4(USH2A):c.8861A>T (p.Gln2954Leu)

Gene: USH2A (usherin; minus strand). Cytogenetic location: 1q41.
Variant type: single nucleotide variant.
Coding change: c.8861A>T on transcript NM_206933.4 (MANE Select); coding-DNA position 8861, A replaced by T.
Protein change: p.Gln2954Leu; replaces glutamine 2954 with leucine.
Molecular consequence: missense variant.
Genome position (GRCh38, 1-based): chr1:215,846,018, T>A on the plus strand (A>T on the coding strand, the complement: USH2A is on the minus strand). VCF-style: chr1-215846018-T-A. GRCh37 (hg19) VCF-style: chr1-216019360-T-A.
Other names: short protein forms Q2954L.
Identifiers: ClinVar variation 866894 (VCV000866894.8), dbSNP rs1467856164, ClinGen allele CA344842182.

ClinVar aggregate classification (germline): Uncertain significance. Review status: criteria provided, multiple submitters, no conflicts (2 of 4 stars). 5 submissions from 4 submitters: Uncertain significance (5). Last evaluated 2025-09-02.

Conditions:
Retinitis pigmentosa 39 (RP39). Identifiers: Orphanet 791, MedGen C3151138, MONDO:0013436, OMIM 613809.
Usher syndrome type 2A. Also called: RETINAL DISEASE IN USHER SYNDROME TYPE IIA, MODIFIER OF; USHER SYNDROME, TYPE IIA. Identifiers: Orphanet 231178, Orphanet 886, MedGen C1848634, MONDO:0010169, OMIM 276901.

Allele frequency attached by ClinVar (database versions not stated): TOPMed 0.00001; gnomAD 0.00002.
gnomAD v4.1: 9 of 1,613,542 alleles (0.00056%); highest among the groups gnomAD compares: Non-Finnish European, 0.00076%; no homozygotes.

Submissions (5):

Labcorp Genetics (formerly Invitae), Labcorp
Classification: Uncertain significance. Last evaluated: 2025-09-02. Review status: criteria provided, single submitter. Criteria: Invitae Variant Classification Sherloc (09022015). Collection method: clinical testing. Allele origin: germline.
Comment: This sequence change replaces glutamine, which is neutral and polar, with leucine, which is neutral and non-polar, at codon 2954 of the USH2A protein (p.Gln2954Leu). This variant is present in population databases (no rsID available, gnomAD 0.01%). This variant has not been reported in the literature in individuals affected with USH2A-related conditions. ClinVar contains an entry for this variant (Variation ID: 866894). Invitae Evidence Modeling of protein sequence and biophysical properties (such as structural, functional, and spatial information, amino acid conservation, physicochemical variation, residue mobility, and thermodynamic stability) has been performed for this missense variant. However, the output from this modeling did not meet the statistical confidence thresholds required to predict the impact of this variant on USH2A protein function. In summary, the available evidence is currently insufficient to determine the role of this variant in disease. Therefore, it has been classified as a Variant of Uncertain Significance.

Genome-Nilou Lab
Classification: Uncertain significance for Retinitis pigmentosa 39. Last evaluated: 2023-11-04. Review status: criteria provided, single submitter. Criteria: ACMG Guidelines, 2015. Collection method: clinical testing. Allele origin: germline. Affected: no.

Genome-Nilou Lab
Classification: Uncertain significance for Usher syndrome type 2A. Last evaluated: 2023-11-04. Review status: criteria provided, single submitter. Criteria: ACMG Guidelines, 2015. Collection method: clinical testing. Allele origin: germline. Affected: no.

GeneDx
Classification: Uncertain significance. Last evaluated: 2023-01-11. Review status: criteria provided, single submitter. Criteria: GeneDx Variant Classification Process June 2021. Collection method: clinical testing. Allele origin: germline. Affected: yes.
Comment: In silico analysis supports that this missense variant has a deleterious effect on protein structure/function; Has not been previously published as pathogenic or benign to our knowledge

Blueprint Genetics
Classification: Uncertain significance. Last evaluated: 2022-04-19. Review status: criteria provided, single submitter. Criteria: ACMG Guidelines, 2015. Collection method: clinical testing. Allele origin: germline.